The following is an entry in ClinVar:

NM_002340.6(LSS):c.473A>G (p.Tyr158Cys)

Gene: LSS (lanosterol synthase; minus strand). Cytogenetic location: 21q22.3.
Variant type: single nucleotide variant.
Coding change: c.473A>G on transcript NM_002340.6 (MANE Select); coding-DNA position 473, A replaced by G.
Protein change: p.Tyr158Cys; replaces tyrosine 158 with cysteine.
Molecular consequence: missense variant.
Genome position (GRCh38, 1-based): chr21:46,221,931, T>C on the plus strand (A>G on the coding strand, the complement: LSS is on the minus strand). VCF-style: chr21-46221931-T-C. GRCh37 (hg19) VCF-style: chr21-47641845-T-C.
Other names: c.473A>G, p.Tyr158Cys (NM_001001438.3); c.440A>G, p.Tyr147Cys (NM_001145436.2); c.233A>G, p.Tyr78Cys (NM_001145437.2); short protein forms Y147C, Y158C, Y78C.
Identifiers: ClinVar variation 1315336 (VCV001315336.3), dbSNP rs770401995, ClinGen allele CA10075465.

ClinVar aggregate classification (germline): Uncertain significance. Review status: criteria provided, multiple submitters, no conflicts (2 of 4 stars). 2 submissions from 2 submitters: Uncertain significance (2). Last evaluated 2025-12-01.

Allele frequency attached by ClinVar (database versions not stated): gnomAD 0.00001; gnomAD exomes below 0.00001; TOPMed below 0.00001; ExAC 0.00001.
gnomAD v4.1: 3 of 1,613,978 alleles (0.00019%); highest among the groups gnomAD compares: African/African-American, 0.0027%; no homozygotes.

Submissions (2):

Labcorp Genetics (formerly Invitae), Labcorp
Classification: Uncertain significance. Last evaluated: 2025-12-01. Review status: criteria provided, single submitter. Criteria: Invitae Variant Classification Sherloc (09022015). Collection method: clinical testing. Allele origin: germline.
Comment: This sequence change replaces tyrosine, which is neutral and polar, with cysteine, which is neutral and slightly polar, at codon 158 of the LSS protein (p.Tyr158Cys). This variant is present in population databases (rs770401995, gnomAD 0.0009%). This variant has not been reported in the literature in individuals affected with LSS-related conditions. ClinVar contains an entry for this variant (Variation ID: 1315336). An algorithm developed to predict the effect of missense changes on protein structure and function (PolyPhen-2) suggests that this variant is likely to be disruptive. In summary, the available evidence is currently insufficient to determine the role of this variant in disease. Therefore, it has been classified as a Variant of Uncertain Significance.

GeneDx
Classification: Uncertain significance. Last evaluated: 2020-02-17. Review status: criteria provided, single submitter. Criteria: GeneDx Variant Classification Process June 2021. Collection method: clinical testing. Allele origin: germline. Affected: yes.
Comment: Not observed at a significant frequency in large population cohorts (Lek et al., 2016); In silico analysis supports that this missense variant has a deleterious effect on protein structure/function; Has not been previously published as pathogenic or benign to our knowledge